The following is an entry in ClinVar:

ClinVar aggregate classification (germline): Uncertain significance (1 of 4 stars; one submission).

Allele frequency attached by ClinVar (database versions not stated): gnomAD exomes below 0.00001.

Submission:

GeneDx
Classification: Uncertain significance. Last evaluated: 2023-02-10. Review status: criteria provided, single submitter. Criteria: GeneDx Variant Classification Process June 2021. Collection method: clinical testing. Allele origin: germline. Affected: yes.
Comment: Not observed at significant frequency in large population cohorts (gnomAD); In silico analysis supports that this missense variant does not alter protein structure/function; Has not been previously published as pathogenic or benign to our knowledge

NM_000475.5(NR0B1):c.328G>C (p.Gly110Arg)

Gene: NR0B1 (nuclear receptor subfamily 0 group B member 1; minus strand). Cytogenetic location: Xp21.2.
Variant type: single nucleotide variant.
Coding change: c.328G>C on transcript NM_000475.5 (MANE Select); coding-DNA position 328, G replaced by C.
Protein change: p.Gly110Arg; replaces glycine 110 with arginine.
Molecular consequence: missense variant.
Genome position (GRCh38, 1-based): chrX:30,309,036, C>G on the plus strand (G>C on the coding strand, the complement: NR0B1 is on the minus strand). VCF-style: chrX-30309036-C-G. GRCh37 (hg19) VCF-style: chrX-30327153-C-G.
Other names: short protein forms G110R.
Identifiers: ClinVar variation 2575624 (VCV002575624.1), dbSNP rs1038510686, ClinGen allele CA327976358.